The following is an entry in ClinVar:

NM_002076.4(GNS):c.1105G>A (p.Val369Ile)

Gene: GNS (glucosamine (N-acetyl)-6-sulfatase; minus strand). Cytogenetic location: 12q14.3.
Variant type: single nucleotide variant.
Coding change: c.1105G>A on transcript NM_002076.4 (MANE Select); coding-DNA position 1105, G replaced by A.
Protein change: p.Val369Ile; replaces valine 369 with isoleucine.
Molecular consequence: missense variant.
Genome position (GRCh38, 1-based): chr12:64,729,051, C>T on the plus strand (G>A on the coding strand, the complement: GNS is on the minus strand). VCF-style: chr12-64729051-C-T. GRCh37 (hg19) VCF-style: chr12-65122831-C-T.
Other names: short protein forms V369I.
Identifiers: ClinVar variation 2151757 (VCV002151757.4), dbSNP rs1054002278, ClinGen allele CA238279898.

ClinVar aggregate classification (germline): Uncertain significance (1 of 4 stars; one submission).

Conditions:
Mucopolysaccharidosis, MPS-III-D (MPS3D). Also called: N-ACETYLGLUCOSAMINE-6-SULFATASE DEFICIENCY; SANFILIPPO SYNDROME D; MPS III D; Mucopoly-saccharidosis type 3D; N-acetylglucosamine-6-sulfate sulfatase deficiency; MPS 3D. Identifiers: Orphanet 581, Orphanet 79272, MedGen C0086650, MONDO:0009658, OMIM 252940.

Submission:

Labcorp Genetics (formerly Invitae), Labcorp
Classification: Uncertain significance for Mucopolysaccharidosis, MPS-III-D. Last evaluated: 2022-06-10. Review status: criteria provided, single submitter. Criteria: Invitae Variant Classification Sherloc (09022015). Collection method: clinical testing. Allele origin: germline.
Comment: In summary, the available evidence is currently insufficient to determine the role of this variant in disease. Therefore, it has been classified as a Variant of Uncertain Significance. Algorithms developed to predict the effect of missense changes on protein structure and function output the following: SIFT: "Deleterious"; PolyPhen-2: "Benign"; Align-GVGD: "Class C25". The isoleucine amino acid residue is found in multiple mammalian species, which suggests that this missense change does not adversely affect protein function. This variant has not been reported in the literature in individuals affected with GNS-related conditions. This variant is not present in population databases (gnomAD no frequency). This sequence change replaces valine, which is neutral and non-polar, with isoleucine, which is neutral and non-polar, at codon 369 of the GNS protein (p.Val369Ile).